The following is an entry in ClinVar:

ClinVar aggregate classification (germline): Uncertain significance (1 of 4 stars; one submission).

Conditions:
Cardiovascular phenotype. Identifiers: MedGen CN230736.

gnomAD v4.1: 3 of 1,550,190 alleles (0.00019%); highest among the groups gnomAD compares: Non-Finnish European, 0.00026%; no homozygotes.

Submission:

Ambry Genetics
Classification: Uncertain significance for Cardiovascular phenotype. Last evaluated: 2024-10-15. Review status: criteria provided, single submitter. Criteria: Ambry Variant Classification Scheme 2023. Collection method: clinical testing. Allele origin: germline.
Comment: The p.H1665R variant (also known as c.4994A>G), located in coding exon 2 of the ZNF469 gene, results from an A to G substitution at nucleotide position 4994. The histidine at codon 1665 is replaced by arginine, an amino acid with highly similar properties. This amino acid position is conserved. In addition, this alteration is predicted to be tolerated by in silico analysis. Based on the available evidence, the clinical significance of this variant remains unclear.

NM_001367624.2(ZNF469):c.5078A>G (p.His1693Arg)

Gene: ZNF469 (zinc finger protein 469; plus strand). Cytogenetic location: 16q24.2.
Variant type: single nucleotide variant.
Coding change: c.5078A>G on transcript NM_001367624.2 (MANE Select); coding-DNA position 5078, A replaced by G.
Protein change: p.His1693Arg; replaces histidine 1693 with arginine.
Molecular consequence: missense variant.
Genome position (GRCh38, 1-based): chr16:88,432,548, A>G. VCF-style: chr16-88432548-A-G. GRCh37 (hg19) VCF-style: chr16-88498956-A-G.
Other names: NM_001127464.1:c.4994A>G; short protein forms H1693R.
Identifiers: ClinVar variation 3476239 (VCV003476239.1).